The following is an entry in ClinVar:

ClinVar aggregate classification (germline): Uncertain significance (1 of 4 stars; one submission).

Allele frequency attached by ClinVar (database versions not stated): gnomAD exomes 0.00001.
gnomAD v4.1: 8 of 1,613,890 alleles (0.0005%); highest among the groups gnomAD compares: Non-Finnish European, 0.00068%; no homozygotes.

Submission:

Labcorp Genetics (formerly Invitae), Labcorp
Classification: Uncertain significance. Last evaluated: 2023-04-11. Review status: criteria provided, single submitter. Criteria: Invitae Variant Classification Sherloc (09022015). Collection method: clinical testing. Allele origin: germline.
Comment: This variant has not been reported in the literature in individuals affected with XPR1-related conditions. Advanced modeling of protein sequence and biophysical properties (such as structural, functional, and spatial information, amino acid conservation, physicochemical variation, residue mobility, and thermodynamic stability) performed at Invitae indicates that this missense variant is not expected to disrupt XPR1 protein function. In summary, the available evidence is currently insufficient to determine the role of this variant in disease. Therefore, it has been classified as a Variant of Uncertain Significance. This variant is not present in population databases (gnomAD no frequency). This sequence change replaces serine, which is neutral and polar, with phenylalanine, which is neutral and non-polar, at codon 170 of the XPR1 protein (p.Ser170Phe).

NM_004736.4(XPR1):c.509C>T (p.Ser170Phe)

Gene: XPR1 (xenotropic and polytropic retrovirus receptor 1; plus strand). Cytogenetic location: 1q25.3.
Variant type: single nucleotide variant.
Coding change: c.509C>T on transcript NM_004736.4 (MANE Select); coding-DNA position 509, C replaced by T.
Protein change: p.Ser170Phe; replaces serine 170 with phenylalanine.
Molecular consequence: missense variant. On other transcripts: non-coding transcript variant (1).
Genome position (GRCh38, 1-based): chr1:180,806,123, C>T. VCF-style: chr1-180806123-C-T. GRCh37 (hg19) VCF-style: chr1-180775259-C-T.
Other names: c.509C>T, p.Ser170Phe (NM_001135669.2, NM_001328662.2); short protein forms S170F.
Identifiers: ClinVar variation 2855096 (VCV002855096.3), dbSNP rs767397705, ClinGen allele CA34131222.